The following is an entry in ClinVar:

NM_007289.4(MME):c.1559G>C (p.Ser520Thr)

Gene: MME (membrane metalloendopeptidase; plus strand). Cytogenetic location: 3q25.2.
Variant type: single nucleotide variant.
Coding change: c.1559G>C on transcript NM_007289.4 (MANE Select); coding-DNA position 1559, G replaced by C.
Protein change: p.Ser520Thr; replaces serine 520 with threonine.
Molecular consequence: missense variant.
Genome position (GRCh38, 1-based): chr3:155,148,611, G>C. VCF-style: chr3-155148611-G-C. GRCh37 (hg19) VCF-style: chr3-154866400-G-C.
Other names: c.1559G>C, p.Ser520Thr (NM_000902.5, NM_001354642.2, NM_001354643.1 and 2 more transcripts); short protein forms S520T.
Identifiers: ClinVar variation 1699816 (VCV001699816.4), dbSNP rs769287368, ClinGen allele CA2675556.
Genomic context (GRCh38, chr3:155,148,611, plus strand): 5'-TGAACTACAAAGAAGATGAATACTTCGAGAACATAATTCAAAATTTGAAATTCAGCCAAA[G>C]TAAACAACTGAAGAAGCTCCGAGAAAAGGTGGACAAAGATGAGTGCGTATATTCTCATTT-3'
Protein context (NP_009220.2, residues 510-530): NIIQNLKFSQ[Ser520Thr]KQLKKLREKV

ClinVar aggregate classification (germline): Uncertain significance. Review status: criteria provided, multiple submitters, no conflicts (2 of 4 stars). 3 submissions from 3 submitters: Uncertain significance (3). Last evaluated 2025-11-24.

Conditions:
MME-related disorder. Also called: MME-related condition.
Inborn genetic diseases. Identifiers: MedGen C0950123, MeSH D030342.

Allele frequency attached by ClinVar (database versions not stated): ExAC 0.00002; gnomAD exomes 0.00002 and 0.00003; TOPMed 0.00001.
gnomAD v4.1: 11 of 1,612,926 alleles (0.00068%); highest among the groups gnomAD compares: Admixed American, 0.018%; no homozygotes.

Submissions (3):

Ambry Genetics
Classification: Uncertain significance for Inborn genetic diseases. Last evaluated: 2025-11-24. Review status: criteria provided, single submitter. Criteria: Ambry Variant Classification Scheme 2023. Collection method: clinical testing. Allele origin: germline.

PreventionGenetics, part of Exact Sciences
Classification: Uncertain significance for MME-related condition. Last evaluated: 2023-06-08. Review status: criteria provided, single submitter. Criteria: ACMG Guidelines, 2015. Collection method: clinical testing. Allele origin: germline.
Comment: The MME c.1559G>C variant is predicted to result in the amino acid substitution p.Ser520Thr. To our knowledge, this variant has not been reported in the literature. This variant is reported in 0.020% of alleles in individuals of Latino descent in gnomAD. At this time, the clinical significance of this variant is uncertain due to the absence of conclusive functional and genetic evidence.

GeneDx
Classification: Uncertain significance. Last evaluated: 2022-01-27. Review status: criteria provided, single submitter. Criteria: GeneDx Variant Classification Process June 2021. Collection method: clinical testing. Allele origin: germline. Affected: yes.
Comment: In silico analysis supports that this missense variant does not alter protein structure/function; Has not been previously published as pathogenic or benign to our knowledge